The following is an entry in ClinVar:

NM_022168.4(IFIH1):c.283A>G (p.Met95Val)

Gene: IFIH1 (interferon induced with helicase C domain 1; minus strand). Cytogenetic location: 2q24.2.
Variant type: single nucleotide variant.
Coding change: c.283A>G on transcript NM_022168.4 (MANE Select); coding-DNA position 283, A replaced by G.
Protein change: p.Met95Val; replaces methionine 95 with valine.
Molecular consequence: missense variant.
Genome position (GRCh38, 1-based): chr2:162,318,025, T>C on the plus strand (A>G on the coding strand, the complement: IFIH1 is on the minus strand). VCF-style: chr2-162318025-T-C. GRCh37 (hg19) VCF-style: chr2-163174535-T-C.
Other names: c.283A>G, p.Met95Val (LRG_1235t1); short protein forms M95V.
Identifiers: ClinVar variation 638992 (VCV000638992.6), dbSNP rs777534095, ClinGen allele CA1934868.
Genomic context (GRCh38, chr2:162,318,025, plus strand): 5'-GATATTCATCATGAGCGTTCTCAAACGATGGAGAGGGCAAGTCCGTGAGCTCAGGGTTCA[T>C]GTAGCGGGCGGCCAGAGGGCTGCCGGTTCTCCGGAGGGCCTCCACGAATTCCCGAGTCCA-3'
Protein context (NP_071451.2, residues 85-105): RTGSPLAARY[Met95Val]NPELTDLPSP

ClinVar aggregate classification (germline): Uncertain significance (1 of 4 stars; one submission).

Conditions:
Singleton-Merten syndrome 1 (SGMRT1). Also called: Widened medullary cavities of bone, aortic calcification, abnormal dentition, and muscular weakness; Syndrome of widened medullary cavities of the metacarpals and phalanges, aortic calcification and abnormal dentition. Identifiers: Orphanet 85191, MedGen C4225427, MONDO:0024535, OMIM 182250.
Aicardi-Goutieres syndrome 7 (AGS7). Identifiers: Orphanet 51, MedGen C3888244, MONDO:0014367, OMIM 615846.

Allele frequency attached by ClinVar (database versions not stated): gnomAD exomes 0.00001 and below 0.00001; gnomAD 0.00003 and 0.00005; ExAC 0.00002; TOPMed 0.00006.
gnomAD v4.1: 11 of 1,614,068 alleles (0.00068%); highest among the groups gnomAD compares: African/African-American, 0.011%; no homozygotes.

Submission:

Labcorp Genetics (formerly Invitae), Labcorp
Classification: Uncertain significance for Aicardi-Goutieres syndrome 7; Singleton-Merten syndrome 1. Last evaluated: 2025-10-13. Review status: criteria provided, single submitter. Criteria: Invitae Variant Classification Sherloc (09022015). Collection method: clinical testing. Allele origin: germline.
Comment: This sequence change replaces methionine, which is neutral and non-polar, with valine, which is neutral and non-polar, at codon 95 of the IFIH1 protein (p.Met95Val). This variant is present in population databases (rs777534095, gnomAD 0.007%). This variant has not been reported in the literature in individuals affected with IFIH1-related conditions. ClinVar contains an entry for this variant (Variation ID: 638992). An algorithm developed to predict the effect of missense changes on protein structure and function outputs the following: PolyPhen-2: "Benign". The valine amino acid residue is found in multiple mammalian species, which suggests that this missense change does not adversely affect protein function. In summary, the available evidence is currently insufficient to determine the role of this variant in disease. Therefore, it has been classified as a Variant of Uncertain Significance.